The following is an entry in ClinVar:

NM_032638.5(GATA2):c.1267del (p.Glu423fs)

Gene: GATA2 (GATA binding protein 2; minus strand). Cytogenetic location: 3q21.3.
Variant type: Deletion.
Coding change: c.1267del on transcript NM_032638.5 (MANE Select); coding-DNA position 1267, one base deleted (G; older notation c.1267delG).
Protein change: p.Glu423fs; shifts the reading frame from glutamic acid 423.
Molecular consequence: frameshift variant.
Genome position (GRCh38, 1-based): chr3:128,481,195, C deleted on the plus strand (G on the coding strand, the reverse complement: GATA2 is on the minus strand); the first of 2 consecutive C bases (chr3:128,481,195-128,481,196); deleting either gives the same sequence. VCF-style (leftmost placement, unchanged base first): chr3-128481194-TC-T. GRCh37 (hg19) VCF-style: chr3-128200037-TC-T.
Other names: c.1267del, p.Glu423fs (NM_001145661.2); c.1225del, p.Glu409fs (NM_001145662.1); short protein forms E409fs, E423fs.
Identifiers: ClinVar variation 2020827 (VCV002020827.4), dbSNP rs2472918978, ClinGen allele CA2580068693.

ClinVar aggregate classification (germline): Uncertain significance (1 of 4 stars; one submission).

Conditions:
Deafness-lymphedema-leukemia syndrome. Also called: Lymphedema, primary, with myelodysplasia; Emberger syndrome. Identifiers: Orphanet 3226, MedGen C3279664, MONDO:0013540, OMIM 614038.
Monocytopenia with susceptibility to infections. Also called: MONOCYTOPENIA AND MYCOBACTERIAL INFECTION SYNDROME; MONOCYTOPENIA WITH SUSCEPTIBILITY TO MYCOBACTERIAL, FUNGAL, AND PAPILLOMAVIRUS INFECTIONS AND MYELODYSPLASIA; COMBINED IMMUNODEFICIENCY WITH SUSCEPTIBILITY TO MYCOBACTERIAL, VIRAL, AND FUNGAL INFECTIONS; Dendritic cell, monocyte, B lymphocyte, and natural killer lymphocyte deficiency; GATA2 DEFICIENCY; IMMUNODEFICIENCY 21. Identifiers: Orphanet 228423, MedGen C3280030, MONDO:0013607, OMIM 614172.

Submission:

Labcorp Genetics (formerly Invitae), Labcorp
Classification: Uncertain significance for Monocytopenia with susceptibility to infections; Deafness-lymphedema-leukemia syndrome. Last evaluated: 2022-07-31. Review status: criteria provided, single submitter. Criteria: Invitae Variant Classification Sherloc (09022015). Collection method: clinical testing. Allele origin: germline.
Comment: This variant is not present in population databases (gnomAD no frequency). This sequence change creates a premature translational stop signal (p.Glu423Argfs*54) in the GATA2 gene. While this is not anticipated to result in nonsense mediated decay, it is expected to disrupt the last 58 amino acid(s) of the GATA2 protein. Experimental studies and prediction algorithms are not available or were not evaluated, and the functional significance of this variant is currently unknown. This variant has not been reported in the literature in individuals affected with GATA2-related conditions. In summary, the available evidence is currently insufficient to determine the role of this variant in disease. Therefore, it has been classified as a Variant of Uncertain Significance.